The following is an entry in ClinVar:

ClinVar aggregate classification (germline): Conflicting classifications of pathogenicity. Review status: criteria provided, conflicting classifications (1 of 4 stars). 4 submissions from 4 submitters: Uncertain significance (2); Likely benign (1). 1 of the submissions does not count toward it. Last evaluated 2025-11-25.

Conditions:
Autosomal recessive limb-girdle muscular dystrophy type 2B (LGMDR2). Also called: Limb-Girdle Muscular Dystrophy Type 2B (LGMD2B); MUSCULAR DYSTROPHY, LIMB-GIRDLE, TYPE 3; Limb-girdle muscular dystrophy, type 2B; MUSCULAR DYSTROPHY, LIMB-GIRDLE, AUTOSOMAL RECESSIVE 2. Identifiers: Orphanet 268, MedGen C1850889, MONDO:0009676, OMIM 253601.
Neuromuscular disease caused by qualitative or quantitative defects of dysferlin. Also called: Dysferlinopathy; Qualitative or quantitative defects of dysferlin. Identifiers: Orphanet 207073, MedGen C2931687, MONDO:0016145.

Allele frequency attached by ClinVar (database versions not stated): gnomAD 0.00010 and 0.00012; TOPMed 0.00013; ESP Exome Variant Server 0.00015.
gnomAD v4.1: 28 of 1,614,024 alleles (0.0017%); highest among the groups gnomAD compares: African/African-American, 0.035%; no homozygotes.

Submissions (4):

Labcorp Genetics (formerly Invitae), Labcorp
Classification: Likely benign for Neuromuscular disease caused by qualitative or quantitative defects of dysferlin. Last evaluated: 2025-11-25. Review status: criteria provided, single submitter. Criteria: Invitae Variant Classification Sherloc (09022015). Collection method: clinical testing. Allele origin: germline.

GeneDx
Classification: Uncertain significance. Last evaluated: 2025-07-30. Review status: criteria provided, single submitter. Criteria: GeneDx Variant Classification Process June 2021. Collection method: clinical testing. Allele origin: germline. Affected: yes.
Comment: In silico analysis indicates that this missense variant does not alter protein structure/function; Has not been previously published as pathogenic or benign to our knowledge; Not observed at significant frequency in large population cohorts (gnomAD)

Revvity Omics, Revvity
Classification: Uncertain significance. Last evaluated: 2024-04-11. Review status: criteria provided, single submitter. Criteria: ACMG Guidelines, 2015. Collection method: clinical testing. Allele origin: germline.

Natera, Inc.
Classification: Uncertain significance for Limb-girdle muscular dystrophy type 2B. Last evaluated: 2020-07-09. Review status: no assertion criteria provided. Collection method: clinical testing. Allele origin: germline. Not counted in ClinVar's aggregate classification.

NM_001130987.2(DYSF):c.2068A>T (p.Ile690Phe)

Gene: DYSF (dysferlin; plus strand). Cytogenetic location: 2p13.2.
Variant type: single nucleotide variant.
Coding change: c.2068A>T on transcript NM_001130987.2 (MANE Select); coding-DNA position 2068, A replaced by T.
Protein change: p.Ile690Phe; replaces isoleucine 690 with phenylalanine.
Molecular consequence: missense variant.
Genome position (GRCh38, 1-based): chr2:71,553,890, A>T. VCF-style: chr2-71553890-A-T. GRCh37 (hg19) VCF-style: chr2-71781020-A-T.
Other names: c.2017A>T, p.Ile673Phe (NM_001130455.2, NM_001130983.2); c.1972A>T, p.Ile658Phe (NM_001130976.2, NM_001130977.2); c.2014A>T, p.Ile672Phe (NM_001130978.2, NM_003494.4); c.2107A>T, p.Ile703Phe (NM_001130979.2); c.2065A>T, p.Ile689Phe (NM_001130980.2, NM_001130981.2); c.2110A>T, p.Ile704Phe (NM_001130982.2); c.1975A>T, p.Ile659Phe (NM_001130984.2, NM_001130986.2); c.2068A>T, p.Ile690Phe (NM_001130985.2); short protein forms I672F, I704F, I689F, I703F, I659F, I690F, I658F, I673F.
Identifiers: ClinVar variation 968937 (VCV000968937.18), dbSNP rs367901920, ClinGen allele CA1706032.
Genomic context (GRCh38, chr2:71,553,890, plus strand): 5'-TGGGGTAACGTGAAACCTGTGGTGGTGCTGTCATCCTACTGGGAGGACATCAGCCATAGA[A>T]TCGAGACTCAGAACCAGCTGCTTGGGATTGCTGACCGGCTGGTGAGTGAAAACTTGCCCA-3'
Protein context (NP_001124459.1, residues 680-700): SSYWEDISHR[Ile690Phe]ETQNQLLGIA